The following is an entry in ClinVar:

NM_000744.7(CHRNA4):c.413T>A (p.Leu138Gln)

Gene: CHRNA4 (cholinergic receptor nicotinic alpha 4 subunit; minus strand). Cytogenetic location: 20q13.33.
Variant type: single nucleotide variant.
Coding change: c.413T>A on transcript NM_000744.7 (MANE Select); coding-DNA position 413, T replaced by A.
Protein change: p.Leu138Gln; replaces leucine 138 with glutamine.
Molecular consequence: missense variant. On other transcripts: 5 prime UTR variant (1), non-coding transcript variant (1).
Genome position (GRCh38, 1-based): chr20:63,350,998, A>T on the plus strand (T>A on the coding strand, the complement: CHRNA4 is on the minus strand). VCF-style: chr20-63350998-A-T. GRCh37 (hg19) VCF-style: chr20-61982350-A-T.
Other names: c.-116T>A (NM_001256573.2); short protein forms L138Q.
Identifiers: ClinVar variation 582832 (VCV000582832.7), dbSNP rs1379403896, ClinGen allele CA409638819.
Genomic context (GRCh38, chr20:63,350,998, plus strand): 5'-TTGTAAATGGCCGGGGGAGTCCACTGCACCCGCCCGTCATGGAACAGGTGGGCCTTGGTC[A>T]GGTGGGTGACCGCGAAGTCCCCGTCAGCACTGGGCAGGAAGAGAGCGAAGGGTGTGAGAC-3'
Protein context (NP_000735.1, residues 128-148): NADGDFAVTH[Leu138Gln]TKAHLFHDGR

ClinVar aggregate classification (germline): Uncertain significance (1 of 4 stars; one submission).

Conditions:
Familial sleep-related hypermotor epilepsy. Also called: Autosomal Dominant Sleep-Related Hypermotor (Hyperkinetic) Epilepsy. Identifiers: Orphanet 98784, MedGen C3696898, MONDO:0000030.

Allele frequency attached by ClinVar (database versions not stated): gnomAD exomes below 0.00001.
gnomAD v4.1: 1 of 1,613,446 alleles (0.000062%); highest among the groups gnomAD compares: Non-Finnish European, 0.000085%; no homozygotes.

Submission:

Labcorp Genetics (formerly Invitae), Labcorp
Classification: Uncertain significance. Last evaluated: 2018-05-04. Review status: criteria provided, single submitter. Criteria: Invitae Variant Classification Sherloc (09022015). Collection method: clinical testing. Allele origin: germline.
Comment: In summary, the available evidence is currently insufficient to determine the role of this variant in disease. Therefore, it has been classified as a Variant of Uncertain Significance. Algorithms developed to predict the effect of sequence changes on RNA splicing suggest that this variant may create or strengthen a splice site, but this prediction has not been confirmed by published transcriptional studies. Algorithms developed to predict the effect of missense changes on protein structure and function do not agree on the potential impact of this missense change (SIFT: "Deleterious"; PolyPhen-2: "Probably Damaging"; Align-GVGD: "Class C0"). This variant has not been reported in the literature in individuals with CHRNA4-related disease. This variant is not present in population databases (ExAC no frequency). This sequence change replaces leucine with glutamine at codon 138 of the CHRNA4 protein (p.Leu138Gln). The leucine residue is highly conserved and there is a moderate physicochemical difference between leucine and glutamine.